The following is an entry in ClinVar:

NM_001353921.2(ARHGEF9):c.320G>A (p.Arg107Gln)

Gene: ARHGEF9 (Cdc42 guanine nucleotide exchange factor 9; minus strand). Cytogenetic location: Xq11.1.
Variant type: single nucleotide variant.
Coding change: c.320G>A on transcript NM_001353921.2 (MANE Select); coding-DNA position 320, G replaced by A.
Protein change: p.Arg107Gln; replaces arginine 107 with glutamine.
Molecular consequence: missense variant. On other transcripts: 5 prime UTR variant (3).
Genome position (GRCh38, 1-based): chrX:63,706,340, C>T on the plus strand (G>A on the coding strand, the complement: ARHGEF9 is on the minus strand). VCF-style: chrX-63706340-C-T. GRCh37 (hg19) VCF-style: chrX-62926220-C-T.
Other names: c.140G>A, p.Arg47Gln (NM_001173479.2); c.-8G>A (NM_001173480.2, NM_001369042.1); c.236G>A, p.Arg79Gln (NM_001330495.2, NM_001353927.2, NM_001369033.1 and 8 more transcripts); c.320G>A, p.Arg107Gln (NM_001353922.2); c.338G>A, p.Arg113Gln (NM_001353923.1); c.119G>A, p.Arg40Gln (NM_001353924.2, NM_001353926.2, NM_001369039.1 and 1 more transcripts); c.299G>A, p.Arg100Gln (NM_001353928.2, NM_001369030.1, NM_001369031.1 and 2 more transcripts); c.-384G>A (NM_001369045.1); short protein forms R100Q, R40Q, R47Q, R107Q, R79Q, R113Q.
Identifiers: ClinVar variation 4777051 (VCV004777051.1).

ClinVar aggregate classification (germline): Uncertain significance (1 of 4 stars; one submission).

Conditions:
Developmental and epileptic encephalopathy, 8 (DEE8). Also called: HYPEREKPLEXIA AND EPILEPSY. Identifiers: Orphanet 163985, Orphanet 2076, MedGen C1845102, MONDO:0010375, OMIM 300607.

gnomAD v4.1: 3 of 1,205,098 alleles (0.00025%); highest among the groups gnomAD compares: East Asian, 0.003%; no homozygotes.

Submission:

Labcorp Genetics (formerly Invitae), Labcorp
Classification: Uncertain significance for Developmental and epileptic encephalopathy, 8. Last evaluated: 2026-01-17. Review status: criteria provided, single submitter. Criteria: Invitae Variant Classification Sherloc (09022015). Collection method: clinical testing. Allele origin: germline.
Comment: This sequence change replaces arginine, which is basic and polar, with glutamine, which is neutral and polar, at codon 100 of the ARHGEF9 protein (p.Arg100Gln). The frequency data for this variant in the population databases is considered unreliable, as metrics indicate poor data quality at this position in the gnomAD database. This variant has not been reported in the literature in individuals affected with ARHGEF9-related conditions. Invitae Evidence Modeling of protein sequence and biophysical properties (such as structural, functional, and spatial information, amino acid conservation, physicochemical variation, residue mobility, and thermodynamic stability) indicates that this missense variant is not expected to disrupt ARHGEF9 protein function with a negative predictive value of 95%. In summary, the available evidence is currently insufficient to determine the role of this variant in disease. Therefore, it has been classified as a Variant of Uncertain Significance.